The following is an entry in ClinVar:

NM_002907.4(RECQL):c.1356-7T>C

Gene: RECQL (RecQ like helicase; minus strand). Cytogenetic location: 12p12.1.
Variant type: single nucleotide variant.
Coding change: c.1356-7T>C on transcript NM_002907.4 (MANE Select); 7 bases into the intron before coding-DNA position 1356, T replaced by C.
Molecular consequence: intron variant.
Genome position (GRCh38, 1-based): chr12:21,473,649, A>G on the plus strand (T>C on the coding strand, the complement: RECQL is on the minus strand). VCF-style: chr12-21473649-A-G. GRCh37 (hg19) VCF-style: chr12-21626583-A-G.
Other names: c.1356-7T>C (NM_032941.3).
Identifiers: ClinVar variation 669213 (VCV000669213.2), dbSNP rs370420341, ClinGen allele CA233567503.
Genomic context (GRCh38, chr12:21,473,649, plus strand): 5'-GCTTCTGAGTTCCATACTTCATCAAAATGTTGAGCCATCAACACACGACGACATCTGCAA[A>G]CACATTTAAAGATACAAATTATTAAAGGATATAATAAAGTTTTAAGAATCTCTATTTCAG-3'

ClinVar aggregate classification (germline): Conflicting classifications of pathogenicity. Review status: criteria provided, conflicting classifications (1 of 4 stars). 2 submissions from 2 submitters: Uncertain significance (1); Likely benign (1). Last evaluated 2022-11-17.

Allele frequency attached by ClinVar (database versions not stated): gnomAD exomes below 0.00001; TOPMed below 0.00001; gnomAD 0.00001; ESP Exome Variant Server 0.00008.

Submissions (2):

Quest Diagnostics Nichols Institute San Juan Capistrano
Classification: Uncertain significance. Last evaluated: 2022-11-17. Review status: criteria provided, single submitter. Criteria: Quest Diagnostics criteria. Collection method: clinical testing. Allele origin: unknown.
Comment: To the best of our knowledge, the variant has not been reported in the published literature. The frequency of this variant in the general population, 0.0000066 (1/152124 chromosomes), is uninformative in assessment of its pathogenicity. Analysis of this variant using software algorithms for the prediction of the effect of nucleotide changes on splicing yielded predictions that this variant does not affect RECQL mRNA splicing . Based on the available information, we are unable to determine the clinical significance of this variant.

GeneDx
Classification: Likely benign. Last evaluated: 2018-05-30. Review status: criteria provided, single submitter. Criteria: GeneDx Variant Classification (06012015). Collection method: clinical testing. Allele origin: germline. Affected: yes.
Comment: This variant is considered likely benign or benign based on one or more of the following criteria: it is a conservative change, it occurs at a poorly conserved position in the protein, it is predicted to be benign by multiple in silico algorithms, and/or has population frequency not consistent with disease.